The following is an entry in ClinVar:

ClinVar aggregate classification (germline): Conflicting classifications of pathogenicity. Review status: criteria provided, conflicting classifications (1 of 4 stars). 3 submissions from 3 submitters: Uncertain significance (1); Likely benign (2). Last evaluated 2026-01-18.

Conditions:
Hermansky-Pudlak syndrome 1 (HPS1). Also called: DELTA STORAGE POOL DISEASE. Identifiers: Orphanet 231500, Orphanet 79430, MedGen C2931875, MONDO:0008748, OMIM 203300.

Allele frequency attached by ClinVar (database versions not stated): gnomAD 0.00003; TOPMed 0.00014.
gnomAD v4.1: 94 of 1,613,744 alleles (0.0058%); highest among the groups gnomAD compares: East Asian, 0.18%; no homozygotes.

Submissions (3):

Labcorp Genetics (formerly Invitae), Labcorp
Classification: Likely benign. Last evaluated: 2026-01-18. Review status: criteria provided, single submitter. Criteria: Invitae Variant Classification Sherloc (09022015). Collection method: clinical testing. Allele origin: germline.

Illumina Laboratory Services, Illumina
Classification: Uncertain significance for Hermansky-Pudlak syndrome 1. Last evaluated: 2018-01-13. Review status: criteria provided, single submitter. Criteria: ICSL Variant Classification Criteria 13 December 2019. Collection method: clinical testing. Allele origin: germline.

Laboratory for Molecular Medicine, Mass General Brigham Personalized Medicine
Classification: Likely benign. Last evaluated: 2015-10-12. Review status: criteria provided, single submitter. Criteria: LMM Criteria. Collection method: clinical testing. Allele origin: germline. Observed: 1 variant allele.
Comment: p.Pro413Pro in exon 13 of HPS1 This variant is not expected to have clinical sig nificance because it does not alter an amino acid residue and is not located wit hin the splice consensus sequence. It has been identified in 0.2% (16/8386) of E ast Asian chromosomes by the Exome Aggregation Consortium (ExAC; dbSNP rs777125097).

NM_000195.5(HPS1):c.1239G>T (p.Pro413=)

Gene: HPS1 (HPS1 biogenesis of lysosomal organelles complex 3 subunit 1; minus strand). Cytogenetic location: 10q24.2.
Variant type: single nucleotide variant.
Coding change: c.1239G>T on transcript NM_000195.5 (MANE Select); coding-DNA position 1239, G replaced by T.
Protein change: p.Pro413=; no amino-acid change (proline 413 retained).
Molecular consequence: synonymous variant.
Genome position (GRCh38, 1-based): chr10:98,425,637, C>A on the plus strand (G>T on the coding strand, the complement: HPS1 is on the minus strand). VCF-style: chr10-98425637-C-A. GRCh37 (hg19) VCF-style: chr10-100185394-C-A.
Other names: c.267G>T, p.Pro89= (NM_001311345.2, NM_001322487.2, NM_001322489.2); c.1239G>T, p.Pro413= (NM_001322476.2, NM_001322477.2); c.1140G>T, p.Pro380= (NM_001322478.2, NM_001322479.2); c.978G>T, p.Pro326= (NM_001322480.2, NM_001322481.2); c.879G>T, p.Pro293= (NM_001322482.2); c.870G>T, p.Pro290= (NM_001322483.2, NM_001322484.2); c.771G>T, p.Pro257= (NM_001322485.2).
Identifiers: ClinVar variation 227428 (VCV000227428.18), dbSNP rs777125097, ClinGen allele CA5639100.
Genomic context (GRCh38, chr10:98,425,637, plus strand): 5'-GTCCATCCTCTGGCGCAGGTCTCCCACGAGGGGCTGGGAGCGCAGGGAGGCCCCGGGCTC[C>A]GGCCCTTCCTTCAGCTTCTTCTCCAGCATGGAGAAGCCATCCATCAGCTGGGACAGAACC-3'
Protein context (NP_000186.2, residues 403-423): SMLEKKLKEG[Pro413=]EPGASLRSQP